The following is an entry in ClinVar:

ClinVar aggregate classification (germline): Uncertain significance (1 of 4 stars; one submission).

Submission:

CeGaT Center for Human Genetics Tuebingen
Classification: Uncertain significance. Last evaluated: 2026-06-01. Review status: criteria provided, single submitter. Criteria: CeGaT Center For Human Genetics Tuebingen Variant Classification Criteria Version 2. Collection method: clinical testing. Allele origin: germline. Affected: yes. Observed: 1 variant allele.
Comment: FANCB: PM2

NM_001410764.1(FANCB):c.2785A>G (p.Arg929Gly)

Gene: FANCB (FA complementation group B; minus strand). Cytogenetic location: Xp22.2.
Variant type: single nucleotide variant.
Coding change: c.2785A>G on transcript NM_001410764.1; coding-DNA position 2785, A replaced by G.
Protein change: p.Arg929Gly; replaces arginine 929 with glycine.
Molecular consequence: missense variant.
Genome position (GRCh38, 1-based): chrX:14,796,272, T>C on the plus strand (A>G on the coding strand, the complement: FANCB is on the minus strand). VCF-style: chrX-14796272-T-C. GRCh37 (hg19) VCF-style: chrX-14814394-T-C.
Other names: short protein forms R929G.
Identifiers: ClinVar variation 4875380 (VCV004875380.2).